The following is an entry in ClinVar:

ClinVar aggregate classification (germline): Uncertain significance. Review status: criteria provided, multiple submitters, no conflicts (2 of 4 stars). 2 submissions from 2 submitters: Uncertain significance (2). Last evaluated 2025-06-19.

Conditions:
Cardiovascular phenotype. Identifiers: MedGen CN230736.
Dilated cardiomyopathy 1DD (CMD1DD). Identifiers: Orphanet 154, MedGen C2750995, MONDO:0013168, OMIM 613172.

Submissions (2):

Ambry Genetics
Classification: Uncertain significance for Cardiovascular phenotype. Last evaluated: 2025-06-19. Review status: criteria provided, single submitter. Criteria: Ambry Variant Classification Scheme 2023. Collection method: clinical testing. Allele origin: germline.

Labcorp Genetics (formerly Invitae), Labcorp
Classification: Uncertain significance for Dilated cardiomyopathy 1DD. Last evaluated: 2022-06-26. Review status: criteria provided, single submitter. Criteria: Invitae Variant Classification Sherloc (09022015). Collection method: clinical testing. Allele origin: germline.
Comment: In summary, the available evidence is currently insufficient to determine the role of this variant in disease. Therefore, it has been classified as a Variant of Uncertain Significance. Algorithms developed to predict the effect of sequence changes on RNA splicing suggest that this variant may create or strengthen a splice site. Advanced modeling of protein sequence and biophysical properties (such as structural, functional, and spatial information, amino acid conservation, physicochemical variation, residue mobility, and thermodynamic stability) performed at Invitae indicates that this missense variant is not expected to disrupt RBM20 protein function. This variant has not been reported in the literature in individuals affected with RBM20-related conditions. This variant is not present in population databases (gnomAD no frequency). This sequence change replaces isoleucine, which is neutral and non-polar, with valine, which is neutral and non-polar, at codon 61 of the RBM20 protein (p.Ile61Val).

NM_001134363.3(RBM20):c.181A>G (p.Ile61Val)

Gene: RBM20 (RNA binding motif protein 20; plus strand). Cytogenetic location: 10q25.2.
Variant type: single nucleotide variant.
Coding change: c.181A>G on transcript NM_001134363.3 (MANE Select); coding-DNA position 181, A replaced by G.
Protein change: p.Ile61Val; replaces isoleucine 61 with valine.
Molecular consequence: missense variant.
Genome position (GRCh38, 1-based): chr10:110,644,635, A>G. VCF-style: chr10-110644635-A-G. GRCh37 (hg19) VCF-style: chr10-112404393-A-G.
Other names: short protein forms I61V.
Identifiers: ClinVar variation 1962446 (VCV001962446.6), dbSNP rs1408660540, ClinGen allele CA378527965.